The following is an entry in ClinVar:

ClinVar aggregate classification (germline): Likely pathogenic (1 of 4 stars; one submission).

Conditions:
Spermatogenic failure 78. Identifiers: MedGen C5774276, MONDO:0859338, OMIM 620170.

Submission:

First Genomix Gene Laboratory, Genetic Diagnostics Department
Classification: Likely pathogenic for Spermatogenic failure 78. Last evaluated: 2025-03-27. Review status: criteria provided, single submitter. Criteria: ACMG Guidelines, 2015. Collection method: clinical testing. Allele origin: germline. Inheritance: Autosomal recessive inheritance. Affected: no. Observed: 1 variant allele.

NM_001145304.2(IQCN):c.3004C>T (p.Gln1002Ter)

Gene: IQCN (IQ motif containing N; minus strand). Cytogenetic location: 19p13.11.
Variant type: single nucleotide variant.
Coding change: c.3004C>T on transcript NM_001145304.2 (MANE Select); coding-DNA position 3004, C replaced by T.
Protein change: p.Gln1002Ter; replaces glutamine 1002 with a stop codon.
Molecular consequence: nonsense. On other transcripts: intron variant (2).
Genome position (GRCh38, 1-based): chr19:18,264,536, G>A on the plus strand (C>T on the coding strand, the complement: IQCN is on the minus strand). VCF-style: chr19-18264536-G-A. GRCh37 (hg19) VCF-style: chr19-18375346-G-A.
Other names: c.2616+388C>T (NM_025249.4); c.2478+388C>T (NM_001145305.2); short protein forms Q1002*.
Identifiers: ClinVar variation 4845830 (VCV004845830.1).
Genomic context (GRCh38, chr19:18,264,536, plus strand): 5'-ATTTCGAGGCGGCCTTGGGGAGGATGGTTCCAGTCCTCAGGGCCACCCGACACCAAGACT[G>A]GCTCAGGAGAGCACCCAGCTCACCCTGACACAGGGCCTGGCTCAGAGCCACCCACTCCTC-3'